The following is an entry in ClinVar:

ClinVar aggregate classification (germline): Uncertain significance. Review status: criteria provided, multiple submitters, no conflicts (2 of 4 stars). 2 submissions from 2 submitters: Uncertain significance (2). Last evaluated 2023-12-22.

Conditions:
MAGEL2-related disorder. Also called: MAGEL2-related condition.
Inborn genetic diseases. Identifiers: MedGen C0950123, MeSH D030342.

Allele frequency attached by ClinVar (database versions not stated): gnomAD exomes below 0.00001.
gnomAD v4.1: 4 of 1,528,630 alleles (0.00026%); highest among the groups gnomAD compares: South Asian, 0.0036%; no homozygotes.

Submissions (2):

Ambry Genetics
Classification: Uncertain significance for Inborn genetic diseases. Last evaluated: 2023-12-22. Review status: criteria provided, single submitter. Criteria: Ambry Variant Classification Scheme 2023. Collection method: clinical testing. Allele origin: germline.

PreventionGenetics, part of Exact Sciences
Classification: Uncertain significance for MAGEL2-related condition. Last evaluated: 2022-10-14. Review status: criteria provided, single submitter. Criteria: ACMG Guidelines, 2015. Collection method: clinical testing. Allele origin: germline.
Comment: The MAGEL2 c.493C>G variant is predicted to result in the amino acid substitution p.Pro165Ala. To our knowledge, this variant has not been reported in the literature or in a large population database, indicating this variant is rare. This variant falls within a highly paralogous region, and therefore allele frequency data should be interpreted with caution. At this time, the clinical significance of this variant is uncertain due to the absence of conclusive functional and genetic evidence.

NM_019066.5(MAGEL2):c.493C>G (p.Pro165Ala)

Gene: MAGEL2 (MAGE family member L2; minus strand). Cytogenetic location: 15q11.2.
Variant type: single nucleotide variant.
Coding change: c.493C>G on transcript NM_019066.5 (MANE Select); coding-DNA position 493, C replaced by G.
Protein change: p.Pro165Ala; replaces proline 165 with alanine.
Molecular consequence: missense variant.
Genome position (GRCh38, 1-based): chr15:23,647,250, G>C on the plus strand (C>G on the coding strand, the complement: MAGEL2 is on the minus strand). VCF-style: chr15-23647250-G-C. GRCh37 (hg19) VCF-style: chr15-23892397-G-C.
Other names: short protein forms P165A.
Identifiers: ClinVar variation 2637068 (VCV002637068.2), dbSNP rs1890436960, ClinGen allele CA391337112.
Genomic context (GRCh38, chr15:23,647,250, plus strand): 5'-GAGGAGGAGGATGCACCATCGGGGTCCCCGGAGGAGGAGGATGGGCCATCGGGGTCCCCG[G>C]AGGAGGAGGATGGGCCATTGGGGTCCCCGGAGGGGGAGGGTGGGACATTGGGGTCCCCGG-3'
Protein context (NP_061939.3, residues 155-175): PGTPMAHPPP[Pro165Ala]GTPMAHPPPP